The following is an entry in ClinVar:

NM_007118.4(TRIO):c.365G>T (p.Arg122Leu)

Gene: TRIO (trio Rho guanine nucleotide exchange factor; plus strand). Cytogenetic location: 5p15.2.
Variant type: single nucleotide variant.
Coding change: c.365G>T on transcript NM_007118.4 (MANE Select); coding-DNA position 365, G replaced by T.
Protein change: p.Arg122Leu; replaces arginine 122 with leucine.
Molecular consequence: missense variant. On other transcripts: non-coding transcript variant (1).
Genome position (GRCh38, 1-based): chr5:14,286,888, G>T. VCF-style: chr5-14286888-G-T. GRCh37 (hg19) VCF-style: chr5-14286997-G-T.
Other names: c.365G>T (NM_007118.2); short protein forms R122L.
Identifiers: ClinVar variation 3339023 (VCV003339023.2).
Genomic context (GRCh38, chr5:14,286,888, plus strand): 5'-AAGAGATGTAACCCGTCTTCAGCCATGTTTTCTTTCTCTGCAGCGAGGAGGTCTGCAAGC[G>T]TGGCTTCACGGTGATCGTGGACATGCGTGGGTCCAAGTGGGACTCCATCAAGCCCCTTCT-3'
Protein context (NP_009049.2, residues 112-132): ACIPSEEVCK[Arg122Leu]GFTVIVDMRG

ClinVar aggregate classification (germline): Uncertain significance. Review status: criteria provided, multiple submitters, no conflicts (2 of 4 stars). 2 submissions from 2 submitters: Uncertain significance (2). Last evaluated 2025-01-18.

Conditions:
Inborn genetic diseases. Identifiers: MedGen C0950123, MeSH D030342.

Submissions (2):

Ambry Genetics
Classification: Uncertain significance for Inborn genetic diseases. Last evaluated: 2025-01-18. Review status: criteria provided, single submitter. Criteria: Ambry Variant Classification Scheme 2023. Collection method: clinical testing. Allele origin: germline.

Women's Health and Genetics/Laboratory Corporation of America, LabCorp
Classification: Uncertain significance. Last evaluated: 2024-07-09. Review status: criteria provided, single submitter. Criteria: LabCorp Variant Classification Summary - May 2015. Collection method: clinical testing. Allele origin: germline.
Comment: Variant summary: TRIO c.365G>T (p.Arg122Leu) results in a non-conservative amino acid change located in the CRAL-TRIO lipid binding domain (IPR001251) of the encoded protein sequence. Three of five in-silico tools predict a benign effect of the variant on protein function. The variant was absent in 249436 control chromosomes (gnomAD). The available data on variant occurrences in the general population are insufficient to allow any conclusion about variant significance. To our knowledge, no occurrence of c.365G>T in individuals affected with TRIO-Related Intellectual Disability and no experimental evidence demonstrating its impact on protein function have been reported. No submitters have cited clinical-significance assessments for this variant to ClinVar. Based on the evidence outlined above, the variant was classified as uncertain significance.